The following is an entry in ClinVar:

ClinVar aggregate classification (germline): Uncertain significance (1 of 4 stars; one submission).

gnomAD v4.1: 12 of 1,610,990 alleles (0.00074%); highest among the groups gnomAD compares: Non-Finnish European, 0.00093%; no homozygotes.

Submission:

Labcorp Genetics (formerly Invitae), Labcorp
Classification: Uncertain significance. Last evaluated: 2025-10-12. Review status: criteria provided, single submitter. Criteria: Invitae Variant Classification Sherloc (09022015). Collection method: clinical testing. Allele origin: germline.
Comment: This sequence change falls in intron 5 of the MAPKAPK3 gene. It does not directly change the encoded amino acid sequence of the MAPKAPK3 protein. This variant is not present in population databases (gnomAD no frequency). This variant has not been reported in the literature in individuals affected with MAPKAPK3-related conditions. Algorithms developed to predict the effect of sequence changes on RNA splicing suggest that this variant may disrupt the consensus splice site. In summary, the available evidence is currently insufficient to determine the role of this variant in disease. Therefore, it has been classified as a Variant of Uncertain Significance.

NM_001243925.2(MAPKAPK3):c.360-18T>G

Gene: MAPKAPK3 (MAPK activated protein kinase 3; plus strand). Cytogenetic location: 3p21.2.
Variant type: single nucleotide variant.
Coding change: c.360-18T>G on transcript NM_001243925.2 (MANE Select); 18 bases into the intron before coding-DNA position 360, T replaced by G.
Molecular consequence: intron variant.
Genome position (GRCh38, 1-based): chr3:50,641,689, T>G. VCF-style: chr3-50641689-T-G. GRCh37 (hg19) VCF-style: chr3-50679120-T-G.
Other names: c.360-18T>G (NM_001243926.2, NM_004635.5).
Identifiers: ClinVar variation 4760342 (VCV004760342.1).